The following is an entry in ClinVar:

ClinVar aggregate classification (germline): Uncertain significance (1 of 4 stars; one submission).

Conditions:
Cardiomyopathy (CMYO). Also called: Cardiomyopathies. Identifiers: Orphanet 167848, MedGen C0878544, MONDO:0004994, HP:0001638. Inheritance: Various modes of inheritance.

gnomAD v4.1: 1 of 1,613,904 alleles (0.000062%); highest among the groups gnomAD compares: Middle Eastern, 0.017%; no homozygotes.

Submission:

Color Diagnostics, LLC DBA Color Health
Classification: Uncertain significance for Cardiomyopathy. Last evaluated: 2025-04-20. Review status: criteria provided, single submitter. Criteria: ACMG Guidelines, 2015. Collection method: clinical testing. Allele origin: germline.
Comment: This missense variant replaces proline with arginine at codon 72 of the TNNT2 protein. Computational prediction suggests that this variant may have deleterious impact on protein structure and function. To our knowledge, functional studies have not been reported for this variant. This variant has not been reported in individuals affected with TNNT2-related disorders in the literature. This variant has not been identified in the general population by the Genome Aggregation Database (gnomAD). The available evidence is insufficient to determine the role of this variant in disease conclusively. Therefore, this variant is classified as a Variant of Uncertain Significance.

NM_001276345.2(TNNT2):c.245C>G (p.Pro82Arg)

Gene: TNNT2 (troponin T2, cardiac type; minus strand). Cytogenetic location: 1q32.1.
Variant type: single nucleotide variant.
Coding change: c.245C>G on transcript NM_001276345.2 (MANE Select); coding-DNA position 245, C replaced by G.
Protein change: p.Pro82Arg; replaces proline 82 with arginine.
Molecular consequence: missense variant.
Genome position (GRCh38, 1-based): chr1:201,365,659, G>C on the plus strand (C>G on the coding strand, the complement: TNNT2 is on the minus strand). VCF-style: chr1-201365659-G-C. GRCh37 (hg19) VCF-style: chr1-201334787-G-C.
Other names: c.245C>G, p.Pro82Arg (NM_000364.4, NM_001406723.1); c.215C>G, p.Pro72Arg (NM_001001430.3, NM_001001431.3, NM_001276347.2 and 3 more transcripts); c.200C>G, p.Pro67Arg (NM_001001432.3, NM_001406728.1); c.242C>G, p.Pro81Arg (NM_001276346.2); c.212C>G, p.Pro71Arg (NM_001406725.1); short protein forms P67R, P71R, P72R, P81R, P82R.
Identifiers: ClinVar variation 4758528 (VCV004758528.1).